The following is an entry in ClinVar:

NM_033118.4(MYLK2):c.71C>A (p.Pro24His)

Gene: MYLK2 (myosin light chain kinase 2; plus strand). Cytogenetic location: 20q11.21.
Variant type: single nucleotide variant.
Coding change: c.71C>A on transcript NM_033118.4 (MANE Select); coding-DNA position 71, C replaced by A.
Protein change: p.Pro24His; replaces proline 24 with histidine.
Molecular consequence: missense variant.
Genome position (GRCh38, 1-based): chr20:31,820,144, C>A. VCF-style: chr20-31820144-C-A. GRCh37 (hg19) VCF-style: chr20-30407947-C-A.
Other names: short protein forms P24H.
Identifiers: ClinVar variation 2565434 (VCV002565434.2), dbSNP rs2515450870, ClinGen allele CA408524864.
Genomic context (GRCh38, chr20:31,820,144, plus strand): 5'-AAAGGAGGGTGGATCCTGATGGGTGTCTCACCTCCTCTGCAGACAAGGCACCTAAAGGTC[C>A]CACAGGTGAAAGACCCCTGGCTGCAGGGAAAGACCCTGGCCCCCCAGACCCAAAGAAAGC-3'
Protein context (NP_149109.1, residues 14-34): NPSTDKAPKG[Pro24His]TGERPLAAGK

ClinVar aggregate classification (germline): Uncertain significance (1 of 4 stars; one submission).

Submission:

Ambry Genetics
Classification: Uncertain significance. Last evaluated: 2023-05-30. Review status: criteria provided, single submitter. Criteria: Ambry Variant Classification Scheme 2023. Collection method: clinical testing. Allele origin: germline.
Comment: The p.P24H variant (also known as c.71C>A), located in coding exon 2 of the MYLK2 gene, results from a C to A substitution at nucleotide position 71. The proline at codon 24 is replaced by histidine, an amino acid with similar properties. This amino acid position is conserved. In addition, this alteration is predicted to be tolerated by in silico analysis. Since supporting evidence is limited at this time, the clinical significance of this alteration remains unclear.